The following is an entry in ClinVar:

ClinVar aggregate classification (germline): Uncertain significance (1 of 4 stars; one submission).

Conditions:
RASopathy. Also called: rasopathies; Noonan spectrum disorder. Identifiers: Orphanet 536391, MedGen C5555857, MONDO:0021060.

Allele frequency attached by ClinVar (database versions not stated): gnomAD exomes below 0.00001; gnomAD 0.00001.
gnomAD v4.1: 3 of 1,614,008 alleles (0.00019%); highest among the groups gnomAD compares: Admixed American, 0.0033%; no homozygotes.

Submission:

Labcorp Genetics (formerly Invitae), Labcorp
Classification: Uncertain significance for RASopathy. Last evaluated: 2023-12-30. Review status: criteria provided, single submitter. Criteria: Invitae Variant Classification Sherloc (09022015). Collection method: clinical testing. Allele origin: germline.
Comment: This sequence change replaces histidine, which is basic and polar, with arginine, which is basic and polar, at codon 113 of the SHOC2 protein (p.His113Arg). This variant is present in population databases (no rsID available, gnomAD 0.003%). This variant has not been reported in the literature in individuals affected with SHOC2-related conditions. Advanced modeling of protein sequence and biophysical properties (such as structural, functional, and spatial information, amino acid conservation, physicochemical variation, residue mobility, and thermodynamic stability) performed at Invitae indicates that this missense variant is not expected to disrupt SHOC2 protein function with a negative predictive value of 80%. In summary, the available evidence is currently insufficient to determine the role of this variant in disease. Therefore, it has been classified as a Variant of Uncertain Significance.

NM_007373.4(SHOC2):c.338A>G (p.His113Arg)

Gene: SHOC2 (SHOC2 leucine rich repeat scaffold protein; plus strand). Cytogenetic location: 10q25.2.
Variant type: single nucleotide variant.
Coding change: c.338A>G on transcript NM_007373.4 (MANE Select); coding-DNA position 338, A replaced by G.
Protein change: p.His113Arg; replaces histidine 113 with arginine.
Molecular consequence: missense variant.
Genome position (GRCh38, 1-based): chr10:110,964,696, A>G. VCF-style: chr10-110964696-A-G. GRCh37 (hg19) VCF-style: chr10-112724454-A-G.
Other names: c.338A>G, p.His113Arg (NM_001269039.3, NM_001324336.2, NM_001324337.2); short protein forms H113R.
Identifiers: ClinVar variation 2706629 (VCV002706629.3), dbSNP rs1362192624, ClinGen allele CA378384297.